The following is an entry in ClinVar:

ClinVar aggregate classification (germline): Uncertain significance (1 of 4 stars; one submission).

Conditions:
Baller-Gerold syndrome (BGS). Also called: CRANIOSYNOSTOSIS WITH RADIAL DEFECTS. Identifiers: Orphanet 1225, MedGen C0265308, MONDO:0009039, OMIM 218600.

Allele frequency attached by ClinVar (database versions not stated): TOPMed below 0.00001.
gnomAD v4.1: 1 of 1,611,562 alleles (0.000062%); highest among the groups gnomAD compares: Non-Finnish European, 0.000085%; no homozygotes.

Submission:

Labcorp Genetics (formerly Invitae), Labcorp
Classification: Uncertain significance for Baller-Gerold syndrome. Last evaluated: 2022-10-08. Review status: criteria provided, single submitter. Criteria: Invitae Variant Classification Sherloc (09022015). Collection method: clinical testing. Allele origin: germline.
Comment: Experimental studies and prediction algorithms are not available or were not evaluated, and the functional significance of this variant is currently unknown. This variant has not been reported in the literature in individuals affected with RECQL4-related conditions. This variant is not present in population databases (gnomAD no frequency). This sequence change replaces lysine, which is basic and polar, with glutamic acid, which is acidic and polar, at codon 88 of the RECQL4 protein (p.Lys88Glu). In summary, the available evidence is currently insufficient to determine the role of this variant in disease. Therefore, it has been classified as a Variant of Uncertain Significance.

NM_004260.4(RECQL4):c.262A>G (p.Lys88Glu)

Gene: RECQL4 (RecQ like helicase 4; minus strand). Cytogenetic location: 8q24.3.
Variant type: single nucleotide variant.
Coding change: c.262A>G on transcript NM_004260.4 (MANE Select); coding-DNA position 262, A replaced by G.
Protein change: p.Lys88Glu; replaces lysine 88 with glutamic acid.
Molecular consequence: missense variant.
Genome position (GRCh38, 1-based): chr8:144,517,142, T>C on the plus strand (A>G on the coding strand, the complement: RECQL4 is on the minus strand). VCF-style: chr8-144517142-T-C. GRCh37 (hg19) VCF-style: chr8-145742526-T-C.
Other names: c.262A>G, p.Lys88Glu (NM_001413017.1, NM_001413018.1, NM_001413019.1 and 5 more transcripts); c.-459A>G (NM_001413021.1); c.-810A>G (NM_001413022.1, NM_001413023.1, NM_001413037.1 and 3 more transcripts); c.-707A>G (NM_001413024.1, NM_001413035.1); c.133A>G, p.Lys45Glu (NM_001413025.1); c.-872A>G (NM_001413027.1, NM_001413030.1, NM_001413031.1 and 1 more transcripts); c.-535A>G (NM_001413028.1); c.-769A>G (NM_001413032.1); and 2 more; short protein forms K45E, K88E.
Identifiers: ClinVar variation 1721231 (VCV001721231.5), dbSNP rs1815245432, ClinGen allele CA372692227.
Genomic context (GRCh38, chr8:144,517,142, plus strand): 5'-GCTGCCCGTAGTCCGGCACCGAGCCCTGGCGGCTCCGCCCTGGCGTAGACTGTGGACTCT[T>C]GGTCGCAGCCCGATTCAGATGGGGCCCCCAGCAGCGGGGCTCTGGCGCCTGCAGGAGACA-3'
Protein context (NP_004251.4, residues 78-98): WGPHLNRAAT[Lys88Glu]SPQSTPGRSR